The following is an entry in ClinVar:

NM_017617.5(NOTCH1):c.5215G>C (p.Val1739Leu)

Gene: NOTCH1 (notch receptor 1; minus strand). Cytogenetic location: 9q34.3.
Variant type: single nucleotide variant.
Coding change: c.5215G>C on transcript NM_017617.5 (MANE Select); coding-DNA position 5215, G replaced by C.
Protein change: p.Val1739Leu; replaces valine 1739 with leucine.
Molecular consequence: missense variant.
Genome position (GRCh38, 1-based): chr9:136,502,441, C>G on the plus strand (G>C on the coding strand, the complement: NOTCH1 is on the minus strand). VCF-style: chr9-136502441-C-G. GRCh37 (hg19) VCF-style: chr9-139396893-C-G.
Other names: short protein forms V1739L.
Identifiers: ClinVar variation 4823490 (VCV004823490.4).

ClinVar aggregate classification (germline): Uncertain significance (1 of 4 stars; one submission).

Submission:

CeGaT Center for Human Genetics Tuebingen
Classification: Uncertain significance. Last evaluated: 2026-02-01. Review status: criteria provided, single submitter. Criteria: CeGaT Center For Human Genetics Tuebingen Variant Classification Criteria Version 2. Collection method: clinical testing. Allele origin: germline. Affected: yes. Observed: 1 variant allele.
Comment: NOTCH1: PM2